The following is an entry in ClinVar:

NM_000257.4(MYH7):c.5458C>G (p.Arg1820Gly)

Gene: MYH7 (myosin heavy chain 7; minus strand). Cytogenetic location: 14q11.2.
Variant type: single nucleotide variant.
Coding change: c.5458C>G on transcript NM_000257.4 (MANE Select); coding-DNA position 5458, C replaced by G.
Protein change: p.Arg1820Gly; replaces arginine 1820 with glycine.
Molecular consequence: missense variant.
Genome position (GRCh38, 1-based): chr14:23,415,096, G>C on the plus strand (C>G on the coding strand, the complement: MYH7 is on the minus strand). VCF-style: chr14-23415096-G-C. GRCh37 (hg19) VCF-style: chr14-23884305-G-C.
Other names: c.5458C>G (NM_000257.2); short protein forms R1820G.
Identifiers: ClinVar variation 569842 (VCV000569842.15), dbSNP rs145734640, ClinGen allele CA046829.

ClinVar aggregate classification (germline): Uncertain significance. Review status: criteria provided, multiple submitters, no conflicts (2 of 4 stars). 7 submissions from 7 submitters: Uncertain significance (7). Last evaluated 2025-12-31.

Conditions:
MYH7-related disorder. Also called: MYH7-related condition; MYH7-related disease; MYH7-related disorders.
Dilated cardiomyopathy 1S (CMD1S). Identifiers: Orphanet 154, Orphanet 54260, MedGen C1834481, MONDO:0013262, OMIM 613426.
Congenital myopathy with fiber type disproportion. Also called: Congenital fiber-type disproportion; Congenital fiber-type disproportion myopathy. Identifiers: Orphanet 2020, MedGen C0546264, MONDO:0009711. Inheritance: all.
Myopathy, myosin storage, autosomal recessive (CMYO7B). Also called: CONGENITAL MYOPATHY 7B, MYOSIN STORAGE, AUTOSOMAL RECESSIVE. Identifiers: Orphanet 636970, MedGen C1850709, MONDO:0009708, OMIM 255160.
Hypertrophic cardiomyopathy 1 (CMH1). Also called: Familial hypertrophic cardiomyopathy 1; MYH7-Related Familial Hypertrophic Cardiomyopathy. Identifiers: MedGen C3495498, MONDO:0008647, OMIM 192600.
MYH7-related skeletal myopathy. Also called: Laing early-onset distal myopathy; Myopathy, distal, 1; Laing distal myopathy; MYOPATHY, DISTAL, EARLY-ONSET, AUTOSOMAL DOMINANT; MYOPATHY, LATE DISTAL HEREDITARY. Identifiers: Orphanet 59135, MedGen C4552004, MONDO:0008050, OMIM 160500.
Myosin storage myopathy (CMYO7A). Also called: MYH7-related late-onset scapuloperoneal muscular dystrophy; Congenital myopathy 7A, myosin storage, autosomal dominant; MYOPATHY WITH LYSIS OF TYPE I MYOFIBRILS; SCAPULOPERONEAL MUSCULAR DYSTROPHY; SCAPULOPERONEAL SYNDROME, MYOPATHIC TYPE; MYOPATHY, HYALINE BODY, AUTOSOMAL DOMINANT. Identifiers: Orphanet 437572, Orphanet 636965, MedGen C1842160, MONDO:0008409, OMIM 608358.
Cardiovascular phenotype. Identifiers: MedGen CN230736.
Cardiomyopathy (CMYO). Also called: Cardiomyopathies. Identifiers: Orphanet 167848, MedGen C0878544, MONDO:0004994, HP:0001638. Inheritance: Various modes of inheritance.
Hypertrophic cardiomyopathy. Also called: HYPERTROPHIC MYOCARDIOPATHY. Identifiers: Orphanet 217569, MedGen C0007194, MeSH D002312, MONDO:0005045, HP:0001639.

Allele frequency attached by ClinVar (database versions not stated): TOPMed 0.00004.
gnomAD v4.1: 11 of 1,613,762 alleles (0.00068%); highest among the groups gnomAD compares: African/African-American, 0.015%; no homozygotes.

Submissions (7):

PreventionGenetics, part of Exact Sciences
Classification: Uncertain significance for MYH7-related condition. Last evaluated: 2025-12-31. Review status: criteria provided, single submitter. Criteria: ACMG Guidelines, 2015. Collection method: clinical testing. Allele origin: germline.
Comment: The MYH7 c.5458C>G variant is predicted to result in the amino acid substitution p.Arg1820Gly. This variant was reported in one carrier individual without an indication of hypertrophic cardiomyopathy (Table S6 in Park et al. 2022. PubMed ID: 34542152). This variant is reported in 0.024% of alleles in individuals of African descent in gnomAD. Of note, other variants impacting the same amino acid (p.Arg1820Trp and p.Arg1820Gln) have also been documented; however, the contribution of these variants to disease presentation is not fully understood (Yüceyar et al. 2015. PubMed ID: 25666907; Table S6 in Park et al. 2022. PubMed ID: 34542152; Granger et al. 2023. PubMed ID: 36628841). At this time, the clinical significance of the c.5458C>G (p.Arg1820Gly) variant is uncertain due to the absence of conclusive functional and genetic evidence.

Ambry Genetics
Classification: Uncertain significance for Cardiovascular phenotype. Last evaluated: 2025-06-27. Review status: criteria provided, single submitter. Criteria: Ambry Variant Classification Scheme 2023. Collection method: clinical testing. Allele origin: germline.
Comment: The p.R1820G variant (also known as c.5458C>G), located in coding exon 35 of the MYH7 gene, results from a C to G substitution at nucleotide position 5458. The arginine at codon 1820 is replaced by glycine, an amino acid with dissimilar properties. This amino acid position is highly conserved in available vertebrate species. In addition, this alteration is predicted to be deleterious by in silico analysis. Based on the available evidence, the clinical significance of this variant remains unclear.

Labcorp Genetics (formerly Invitae), Labcorp
Classification: Uncertain significance for Hypertrophic cardiomyopathy. Last evaluated: 2024-06-15. Review status: criteria provided, single submitter. Criteria: Invitae Variant Classification Sherloc (09022015). Collection method: clinical testing. Allele origin: germline.
Comment: This sequence change replaces arginine, which is basic and polar, with glycine, which is neutral and non-polar, at codon 1820 of the MYH7 protein (p.Arg1820Gly). This variant is present in population databases (rs145734640, gnomAD 0.02%). This variant has not been reported in the literature in individuals affected with MYH7-related conditions. ClinVar contains an entry for this variant (Variation ID: 569842). Advanced modeling of protein sequence and biophysical properties (such as structural, functional, and spatial information, amino acid conservation, physicochemical variation, residue mobility, and thermodynamic stability) performed at Invitae indicates that this missense variant is expected to disrupt MYH7 protein function with a positive predictive value of 95%. In summary, the available evidence is currently insufficient to determine the role of this variant in disease. Therefore, it has been classified as a Variant of Uncertain Significance.

GeneDx
Classification: Uncertain significance. Last evaluated: 2024-04-15. Review status: criteria provided, single submitter. Criteria: GeneDx Variant Classification Process June 2021. Collection method: clinical testing. Allele origin: germline. Affected: yes.
Comment: Has not been previously published as pathogenic or benign to our knowledge; In silico analysis supports that this missense variant has a deleterious effect on protein structure/function; This variant is associated with the following publications: (PMID: 34542152)

All of Us Research Program, National Institutes of Health
Classification: Uncertain significance for Cardiomyopathy. Last evaluated: 2023-10-06. Review status: criteria provided, single submitter. Criteria: ACMG Guidelines, 2015. Collection method: clinical testing. Allele origin: germline. Inheritance: Autosomal dominant inheritance. Observed: 1 variant allele, 1 heterozygote.
Comment: This missense variant replaces arginine with glycine at codon 1820 of the MYH7 protein. Computational prediction suggests that this variant may have deleterious impact on protein structure and function (internally defined REVEL score threshold >= 0.7, PMID: 27666373). To our knowledge, functional studies have not been reported for this variant. This variant has not been reported in individuals affected with MYH7-related disorders in the literature. This variant has been identified in 6/282684 chromosomes in the general population by the Genome Aggregation Database (gnomAD). The available evidence is insufficient to determine the role of this variant in disease conclusively. Therefore, this variant is classified as a Variant of Uncertain Significance.

This study involves interpretation of variants in research participants for the purpose of population health screening. Participant phenotype was not available at the time of variant classification. Additional details can be found in publication PMID: 35346344, PMCID: PMC8962531

Color Diagnostics, LLC DBA Color Health
Classification: Uncertain significance for Cardiomyopathy. Last evaluated: 2023-09-20. Review status: criteria provided, single submitter. Criteria: ACMG Guidelines, 2015. Collection method: clinical testing. Allele origin: germline.
Comment: This missense variant replaces arginine with glycine at codon 1820 of the MYH7 protein. Computational prediction suggests that this variant may have deleterious impact on protein structure and function (internally defined REVEL score threshold >= 0.7, PMID: 27666373). To our knowledge, functional studies have not been reported for this variant. This variant has not been reported in individuals affected with MYH7-related disorders in the literature. This variant has been identified in 6/282684 chromosomes in the general population by the Genome Aggregation Database (gnomAD). The available evidence is insufficient to determine the role of this variant in disease conclusively. Therefore, this variant is classified as a Variant of Uncertain Significance.

Fulgent Genetics
Classification: Uncertain significance for MYH7-related skeletal myopathy; Myosin storage myopathy; Hypertrophic cardiomyopathy 1; Myopathy, myosin storage, autosomal recessive; Congenital myopathy 4A, autosomal dominant; Dilated cardiomyopathy 1S. Last evaluated: 2021-09-08. Review status: criteria provided, single submitter. Criteria: ACMG Guidelines, 2015. Collection method: clinical testing. Allele origin: unknown.